The following is an entry in ClinVar:

ClinVar aggregate classification (germline): Pathogenic. Review status: criteria provided, multiple submitters, no conflicts (2 of 4 stars). 7 submissions from 7 submitters: Pathogenic (5). 2 of the submissions do not count toward it. Last evaluated 2025-06-29.

Conditions:
NOD2-related disorder. Also called: NOD2-related condition.
Blau syndrome (BLAUS). Also called: JABS SYNDROME; ARTHROCUTANEOUVEAL GRANULOMATOSIS; GRANULOMATOSIS, FAMILIAL JUVENILE SYSTEMIC; GRANULOMATOSIS, FAMILIAL, BLAU TYPE; GRANULOMATOUS INFLAMMATORY ARTHRITIS, DERMATITIS, AND UVEITIS, FAMILIAL. Identifiers: Orphanet 90340, MedGen C5201146, MONDO:0008523, OMIM 186580.
Regional enteritis. Also called: Enteritis, Granulomatous. Identifiers: MedGen C0678202, MeSH D003424.

gnomAD v4.1: 1 of 1,614,138 alleles (0.000062%); highest among the groups gnomAD compares: Non-Finnish European, 0.000085%; no homozygotes.

Submissions (7):

Labcorp Genetics (formerly Invitae), Labcorp
Classification: Pathogenic for Regional enteritis; Blau syndrome. Last evaluated: 2025-06-29. Review status: criteria provided, single submitter. Criteria: Invitae Variant Classification Sherloc (09022015). Collection method: clinical testing. Allele origin: germline.
Comment: This sequence change replaces arginine, which is basic and polar, with glutamine, which is neutral and polar, at codon 334 of the NOD2 protein (p.Arg334Gln). This variant is not present in population databases (gnomAD no frequency). This missense change has been observed in individual(s) with Blau syndrome (PMID: 11528384, 15554080, 17393391, 20084402, 24713464, 26606664). In at least one individual the variant was observed to be de novo. It has also been observed to segregate with disease in related individuals. ClinVar contains an entry for this variant (Variation ID: 4694). Invitae Evidence Modeling of protein sequence and biophysical properties (such as structural, functional, and spatial information, amino acid conservation, physicochemical variation, residue mobility, and thermodynamic stability) has been performed for this missense variant. However, the output from this modeling did not meet the statistical confidence thresholds required to predict the impact of this variant on NOD2 protein function. Experimental studies have shown that this missense change affects NOD2 function (PMID: 12626759, 15044951, 25093298, 25429073). This variant disrupts the p.Arg334 amino acid residue in NOD2. Other variant(s) that disrupt this residue have been determined to be pathogenic (PMID: 11528384, 14522785, 15044951, 15459013, 17157607, 17207093, 20199415, 22509093, 24713464, 25416713). This suggests that this residue is clinically significant, and that variants that disrupt this residue are likely to be disease-causing. For these reasons, this variant has been classified as Pathogenic.

3billion
Classification: Pathogenic for Blau syndrome. Last evaluated: 2024-10-31. Review status: criteria provided, single submitter. Criteria: ACMG Guidelines, 2015. Collection method: clinical testing. Allele origin: germline. Affected: yes.
Comment: The variant is observed at an extremely low frequency in the gnomAD v4.1.0 dataset (total allele frequency: <0.001%). Predicted Consequence/Location: Missense variant. Missense changes are a common disease-causing mechanism. In silico tool predictions suggest damaging effect of the variant on gene or gene product [REVEL: 0.72 (>=0.6, sensitivity 0.68 and specificity 0.92); 3Cnet: 0.61 (>=0.6, sensitivity 0.72 and precision 0.9)]. The same nucleotide change resulting in the same amino acid change has been previously reported as pathogenic/likely pathogenic with strong evidence (ClinVar ID: VCV000004694 /PMID: 11528384). Different missense changes at the same codon (p.Arg307Leu, p.Arg307Trp) have been reported as pathogenic/likely pathogenic with strong evidence (ClinVar ID: VCV000004696, VCV002921258 /PMID: 11528384, 28639104). Therefore, this variant is classified as Pathogenic according to the recommendation of ACMG/AMP guideline.

Blueprint Genetics
Classification: Pathogenic for NOD2-related disorders. Last evaluated: 2024-09-10. Review status: criteria provided, single submitter. Criteria: ACMG Guidelines, 2015. Collection method: clinical testing. Allele origin: germline. Affected: yes. Observed: 1 variant allele.

CeGaT Center for Human Genetics Tuebingen
Classification: Pathogenic. Last evaluated: 2021-06-01. Review status: criteria provided, single submitter. Criteria: CeGaT Center For Human Genetics Tuebingen Variant Classification Criteria Version 2. Collection method: clinical testing. Allele origin: germline. Affected: yes. Observed: 1 variant allele.

GeneDx
Classification: Pathogenic. Last evaluated: 2015-08-16. Review status: criteria provided, single submitter. Criteria: GeneDx Variant Classification (06012015). Collection method: clinical testing. Allele origin: germline. Affected: yes.
Comment: The R334Q variant in the NOD2 gene has been reported previously in multiple individuals diagnosed withBlau syndrome as well as expanded features including lymphadenopathy, interstitial lung disease, hepaticgranuloma, granulomatous arthritis, erythema nodosum, hypertension and recurrent fever (RosÃ© et al.,2015; Akil et al., 2010; Becker et al., 2007; Miceli-Richard et al., 2001). The R334Q substitution was notobserved in approximately 6500 individuals of European and African American ancestry in the NHLBIExome Sequencing Project, indicating it is not a common benign variant in these populations. The R334Qvariant is a semi-conservative amino acid substitution, which may impact secondary protein structure asthese residues differ in some properties. This substitution occurs at a position that is conserved acrossspecies. In silico analysis predicts this variant is probably damaging to the protein structure/function. Weinterpret R334Q as a pathogenic variant.

OMIM
Classification: Pathogenic for BLAU SYNDROME. Last evaluated: 2001-09-01. Review status: no assertion criteria provided. Collection method: literature only. Allele origin: germline. Not counted in ClinVar's aggregate classification.

Unité médicale des maladies autoinflammatoires, CHRU Montpellier
No classification provided. Condition: Sarcoidosis, early-onset. Review status: no classification provided. Collection method: not provided. Allele origin: unknown. Not counted in ClinVar's aggregate classification.
Comment: also involved in OMIM 186580 and 266600

Literature cited by the submitters: PubMed 11528384 (cited by 3 submitters); PubMed 15554080 (cited by Labcorp Genetics (formerly Invitae), Labcorp); PubMed 17393391 (cited by Labcorp Genetics (formerly Invitae), Labcorp); PubMed 20084402 (cited by Labcorp Genetics (formerly Invitae), Labcorp); PubMed 24713464 (cited by Labcorp Genetics (formerly Invitae), Labcorp); PubMed 26606664 (cited by Labcorp Genetics (formerly Invitae), Labcorp); PubMed 12626759 (cited by Labcorp Genetics (formerly Invitae), Labcorp); PubMed 15044951 (cited by Labcorp Genetics (formerly Invitae), Labcorp); PubMed 25093298 (cited by Labcorp Genetics (formerly Invitae), Labcorp); PubMed 25429073 (cited by Labcorp Genetics (formerly Invitae), Labcorp); PubMed 14522785 (cited by Labcorp Genetics (formerly Invitae), Labcorp); PubMed 15459013 (cited by Labcorp Genetics (formerly Invitae), Labcorp); PubMed 17157607 (cited by Labcorp Genetics (formerly Invitae), Labcorp); PubMed 17207093 (cited by Labcorp Genetics (formerly Invitae), Labcorp); PubMed 20199415 (cited by Labcorp Genetics (formerly Invitae), Labcorp); PubMed 22509093 (cited by Labcorp Genetics (formerly Invitae), Labcorp); PubMed 25416713 (cited by Labcorp Genetics (formerly Invitae), Labcorp).

NM_001370466.1(NOD2):c.920G>A (p.Arg307Gln)

Gene: NOD2 (nucleotide binding oligomerization domain containing 2; plus strand). Cytogenetic location: 16q12.1.
Variant type: single nucleotide variant.
Coding change: c.920G>A on transcript NM_001370466.1 (MANE Select); coding-DNA position 920, G replaced by A.
Protein change: p.Arg307Gln; replaces arginine 307 with glutamine.
Molecular consequence: missense variant. On other transcripts: non-coding transcript variant (1).
Genome position (GRCh38, 1-based): chr16:50,710,912, G>A. VCF-style: chr16-50710912-G-A. GRCh37 (hg19) VCF-style: chr16-50744823-G-A.
Other names: c.1001G>A, p.Arg334Gln (LRG_177t1, NM_022162.3); c.920G>A, p.Arg307Gln (NM_001293557.2); short protein forms R334Q, R307Q.
Identifiers: ClinVar variation 4694 (VCV000004694.46), dbSNP rs104895461, ClinGen allele CA117018.